The following is an entry in ClinVar:

NM_000138.5(FBN1):c.619A>T (p.Thr207Ser)

Gene: FBN1 (fibrillin 1; minus strand). Cytogenetic location: 15q21.1.
Variant type: single nucleotide variant.
Coding change: c.619A>T on transcript NM_000138.5 (MANE Select); coding-DNA position 619, A replaced by T.
Protein change: p.Thr207Ser; replaces threonine 207 with serine.
Molecular consequence: missense variant.
Genome position (GRCh38, 1-based): chr15:48,537,728, T>A on the plus strand (A>T on the coding strand, the complement: FBN1 is on the minus strand). VCF-style: chr15-48537728-T-A. GRCh37 (hg19) VCF-style: chr15-48829925-T-A.
Other names: short protein forms T207S.
Identifiers: ClinVar variation 573035 (VCV000573035.15), dbSNP rs1464303112, ClinGen allele CA392446023.

ClinVar aggregate classification (germline): Uncertain significance. Review status: criteria provided, multiple submitters, no conflicts (2 of 4 stars). 4 submissions from 4 submitters: Uncertain significance (4). Last evaluated 2026-01-22.

Conditions:
Familial thoracic aortic aneurysm and aortic dissection (TAAD). Also called: Thoracic aortic aneurysms and dissections. Identifiers: Orphanet 91387, MedGen C4707243, MONDO:0019625.
Marfan syndrome (MFS). Also called: FBN1-Related Marfan Syndrome; Marfan syndrome type 1; Marfan's syndrome; Marfan syndrome, classic; MARFAN SYNDROME, TYPE I. Identifiers: Orphanet 284963, Orphanet 558, MedGen C0024796, MONDO:0007947, OMIM 154700.

Allele frequency attached by ClinVar (database versions not stated): gnomAD exomes 0.00001 and 0.00002; gnomAD 0.00002; TOPMed 0.00002.

Submissions (4):

GeneDx
Classification: Uncertain significance. Last evaluated: 2026-01-22. Review status: criteria provided, single submitter. Criteria: GeneDx Variant Classification Process June 2021. Collection method: clinical testing. Allele origin: germline. Affected: yes.
Comment: Not observed at significant frequency in large population cohorts (gnomAD); In silico analysis suggests that this missense variant does not alter protein structure/function; Has not been previously published as pathogenic or benign to our knowledge; This variant is associated with the following publications: (PMID: 12938084)

Labcorp Genetics (formerly Invitae), Labcorp
Classification: Uncertain significance for Marfan syndrome; Familial thoracic aortic aneurysm and aortic dissection. Last evaluated: 2025-12-19. Review status: criteria provided, single submitter. Criteria: Invitae Variant Classification Sherloc (09022015). Collection method: clinical testing. Allele origin: germline.
Comment: This sequence change replaces threonine, which is neutral and polar, with serine, which is neutral and polar, at codon 207 of the FBN1 protein (p.Thr207Ser). This variant is present in population databases (no rsID available, gnomAD 0.003%). This variant has not been reported in the literature in individuals affected with FBN1-related conditions. ClinVar contains an entry for this variant (Variation ID: 573035). Invitae Evidence Modeling of protein sequence and biophysical properties (such as structural, functional, and spatial information, amino acid conservation, physicochemical variation, residue mobility, and thermodynamic stability) has been performed for this missense variant. However, the output from this modeling did not meet the statistical confidence thresholds required to predict the impact of this variant on FBN1 protein function. In summary, the available evidence is currently insufficient to determine the role of this variant in disease. Therefore, it has been classified as a Variant of Uncertain Significance.

Ambry Genetics
Classification: Uncertain significance for Familial thoracic aortic aneurysm and aortic dissection. Last evaluated: 2024-10-11. Review status: criteria provided, single submitter. Criteria: Ambry Variant Classification Scheme 2023. Collection method: clinical testing. Allele origin: germline.
Comment: The p.T207S variant (also known as c.619A>T), located in coding exon 6 of the FBN1 gene, results from an A to T substitution at nucleotide position 619. The threonine at codon 207 is replaced by serine, an amino acid with similar properties. This amino acid position is well conserved in available vertebrate species. In addition, the in silico prediction for this alteration is inconclusive. Based on the available evidence, the clinical significance of this variant remains unclear.

Color Diagnostics, LLC DBA Color Health
Classification: Uncertain significance for Familial thoracic aortic aneurysm and aortic dissection. Last evaluated: 2024-03-06. Review status: criteria provided, single submitter. Criteria: ACMG Guidelines, 2015. Collection method: clinical testing. Allele origin: germline.
Comment: This missense variant replaces threonine with serine at codon 207 of the FBN1 protein. Computational prediction tool predicts that this variant may have a neutral impact on protein structure and function. To our knowledge, functional studies have not been reported for this variant. This variant has not been reported in individuals affected with FBN1-related disorders in the literature. This variant has been identified in 5/282822 chromosomes in the general population by the Genome Aggregation Database (gnomAD). The available evidence is insufficient to determine the role of this variant in disease conclusively. Therefore, this variant is classified as a Variant of Uncertain Significance.